The following is an entry in ClinVar:

ClinVar aggregate classification (germline): Pathogenic/Likely pathogenic. Review status: criteria provided, multiple submitters, no conflicts (2 of 4 stars). 2 submissions from 2 submitters: Pathogenic (1); Likely pathogenic (1). Last evaluated 2025-04-14.

Conditions:
Osteogenesis imperfecta, perinatal lethal (OI2). Also called: Osteogenesis imperfecta, dominant perinatal lethal; OSTEOGENESIS IMPERFECTA, TYPE II; OI, TYPE II; OSTEOGENESIS IMPERFECTA CONGENITA; VROLIK TYPE OF OSTEOGENESIS IMPERFECTA; Osteogenesis imperfecta type 2. Identifiers: Orphanet 216804, MedGen C0268358, MONDO:0008147, OMIM 166210.
Ehlers-Danlos syndrome, classic type, 1 (EDSCL1). Also called: EHLERS-DANLOS SYNDROME, GRAVIS TYPE; EHLERS-DANLOS SYNDROME, SEVERE CLASSIC TYPE; Ehlers-Danlos syndrome, type 1; Ehlers-Danlos Syndrome, Classic Type, COL5A1-Related; EDS I. Identifiers: MedGen C0268335, MONDO:0019567, OMIM 130000.
Osteogenesis imperfecta type I (OI1). Also called: OI, TYPE I; OSTEOGENESIS IMPERFECTA TARDA; OSTEOGENESIS IMPERFECTA WITH BLUE SCLERAE; Osteogenesis imperfecta type 1; Classic Non-deforming Osteogenesis Imperfecta with Blue Sclerae; Lobstein's Disease. Identifiers: Orphanet 216796, Orphanet 666, MedGen C0023931, MONDO:0008146, OMIM 166200. Disease mechanism: loss of function.

Allele frequency attached by ClinVar (database versions not stated): TOPMed below 0.00001.

Submissions (2):

Labcorp Genetics (formerly Invitae), Labcorp
Classification: Pathogenic for Osteogenesis imperfecta type I; Ehlers-Danlos syndrome, classic type, 1. Last evaluated: 2025-04-14. Review status: criteria provided, single submitter. Criteria: Invitae Variant Classification Sherloc (09022015). Collection method: clinical testing. Allele origin: germline.
Comment: This sequence change replaces glycine, which is neutral and non-polar, with aspartic acid, which is acidic and polar, at codon 205 of the COL1A2 protein (p.Gly205Asp). This variant is not present in population databases (gnomAD no frequency). This missense change has been observed in individual(s) with osteogenesis imperfecta (PMID: 37270749). ClinVar contains an entry for this variant (Variation ID: 2683900). Invitae Evidence Modeling of protein sequence and biophysical properties (such as structural, functional, and spatial information, amino acid conservation, physicochemical variation, residue mobility, and thermodynamic stability) indicates that this missense variant is expected to disrupt COL1A2 protein function with a positive predictive value of 95%. This variant disrupts the triple helix domain of COL1A2. Glycine residues within the Gly-Xaa-Yaa repeats of the triple helix domain are required for the structure and stability of fibrillar collagens (PMID: 7695699, 8218237, 19344236). In COL1A2, variants affecting these glycine residues are significantly enriched in individuals with disease (PMID: 9016532, 17078022) compared to the general population (ExAC). For these reasons, this variant has been classified as Pathogenic.

Institute of Human Genetics, Cologne University
Classification: Likely pathogenic for Osteogenesis imperfecta, perinatal lethal. Last evaluated: 2023-12-06. Review status: criteria provided, single submitter. Criteria: ACMG Guidelines, 2015. Collection method: clinical testing. Allele origin: germline. Affected: yes.

Literature cited by the submitters: PubMed 37270749 (cited by Labcorp Genetics (formerly Invitae), Labcorp); PubMed 7695699 (cited by Labcorp Genetics (formerly Invitae), Labcorp); PubMed 8218237 (cited by Labcorp Genetics (formerly Invitae), Labcorp); PubMed 19344236 (cited by Labcorp Genetics (formerly Invitae), Labcorp); PubMed 9016532 (cited by Labcorp Genetics (formerly Invitae), Labcorp); PubMed 17078022 (cited by Labcorp Genetics (formerly Invitae), Labcorp).

NM_000089.4(COL1A2):c.614G>A (p.Gly205Asp)

Gene: COL1A2 (collagen type I alpha 2 chain; plus strand). Cytogenetic location: 7q21.3.
Variant type: single nucleotide variant.
Coding change: c.614G>A on transcript NM_000089.4 (MANE Select); coding-DNA position 614, G replaced by A.
Protein change: p.Gly205Asp; replaces glycine 205 with aspartic acid.
Molecular consequence: missense variant.
Genome position (GRCh38, 1-based): chr7:94,407,866, G>A. VCF-style: chr7-94407866-G-A. GRCh37 (hg19) VCF-style: chr7-94037178-G-A.
Other names: short protein forms G205D.
Identifiers: ClinVar variation 2683900 (VCV002683900.2), dbSNP rs1443518475, ClinGen allele CA368220159.